The following is an entry in ClinVar:

NM_175940.3(DUOX1):c.3789C>A (p.Asp1263Glu)

Gene: DUOX1 (dual oxidase 1; plus strand). Cytogenetic location: 15q21.1.
Variant type: single nucleotide variant.
Coding change: c.3789C>A on transcript NM_175940.3 (MANE Select); coding-DNA position 3789, C replaced by A.
Protein change: p.Asp1263Glu; replaces aspartic acid 1263 with glutamic acid.
Molecular consequence: missense variant.
Genome position (GRCh38, 1-based): chr15:45,160,923, C>A. VCF-style: chr15-45160923-C-A. GRCh37 (hg19) VCF-style: chr15-45453121-C-A.
Other names: c.3789C>A, p.Asp1263Glu (NM_017434.5); short protein forms D1263E.
Identifiers: ClinVar variation 2629493 (VCV002629493.1), dbSNP rs760674194, ClinGen allele CA392262932.

ClinVar aggregate classification (germline): Uncertain significance (1 of 4 stars; one submission).

Conditions:
DUOX1-related disorder. Also called: DUOX1-related condition.

Allele frequency attached by ClinVar (database versions not stated): gnomAD 0.00001.
gnomAD v4.1: 6 of 1,614,018 alleles (0.00037%); highest among the groups gnomAD compares: Non-Finnish European, 0.00051%; no homozygotes.

Submission:

PreventionGenetics, part of Exact Sciences
Classification: Uncertain significance for DUOX1-related condition. Last evaluated: 2022-08-19. Review status: criteria provided, single submitter. Criteria: ACMG Guidelines, 2015. Collection method: clinical testing. Allele origin: germline.
Comment: The DUOX1 c.3789C>A variant is predicted to result in the amino acid substitution p.Asp1263Glu. To our knowledge, this variant has not been reported in the literature. This variant is reported in 0.00088% of alleles in individuals of European (Non-Finnish) descent in gnomAD. At this time, the clinical significance of this variant is uncertain due to the absence of conclusive functional and genetic evidence.